The following is an entry in ClinVar:

ClinVar aggregate classification (germline): Uncertain significance (1 of 4 stars; one submission).

Conditions:
Ataxia-telangiectasia syndrome (AT). Also called: ATAXIA-TELANGIECTASIA, COMPLEMENTATION GROUP A; ATAXIA-TELANGIECTASIA, FRESNO VARIANT; Ataxia-telangiectasia; Ataxia-telangiectasia, complementation group E; LOUIS-BAR SYNDROME; Cerebello-oculocutaneous telangiectasia. Identifiers: Orphanet 100, MedGen C0004135, MONDO:0008840, OMIM 208900.

Allele frequency attached by ClinVar (database versions not stated): TOPMed below 0.00001.

Submission:

Labcorp Genetics (formerly Invitae), Labcorp
Classification: Uncertain significance for Ataxia-telangiectasia syndrome. Last evaluated: 2022-03-27. Review status: criteria provided, single submitter. Criteria: Invitae Variant Classification Sherloc (09022015). Collection method: clinical testing. Allele origin: germline.
Comment: In summary, the available evidence is currently insufficient to determine the role of this variant in disease. Therefore, it has been classified as a Variant of Uncertain Significance. Algorithms developed to predict the effect of missense changes on protein structure and function output the following: SIFT: "Tolerated"; PolyPhen-2: "Benign"; Align-GVGD: "Class C0". The histidine amino acid residue is found in multiple mammalian species, which suggests that this missense change does not adversely affect protein function. This variant has not been reported in the literature in individuals affected with ATM-related conditions. This variant is not present in population databases (gnomAD no frequency). This sequence change replaces glutamine, which is neutral and polar, with histidine, which is basic and polar, at codon 2615 of the ATM protein (p.Gln2615His).

NM_000051.4(ATM):c.7845G>T (p.Gln2615His)

Genes: ATM (ATM serine/threonine kinase; plus strand), C11orf65 (chromosome 11 open reading frame 65; minus strand). Cytogenetic location: 11q22.3.
Variant type: single nucleotide variant.
Coding change: c.7845G>T on transcript NM_000051.4 (MANE Select); coding-DNA position 7845, G replaced by T.
Protein change: p.Gln2615His; replaces glutamine 2615 with histidine.
Molecular consequence: missense variant. On other transcripts: intron variant (2).
Genome position (GRCh38, 1-based): chr11:108,332,818, G>T. VCF-style: chr11-108332818-G-T. GRCh37 (hg19) VCF-style: chr11-108203545-G-T.
Other names: c.7845G>T, p.Gln2615His (NM_001351834.2); c.641-23747C>A (NM_001330368.2); c.*38+2402C>A (NM_001351110.2); short protein forms Q2615H.
Identifiers: ClinVar variation 2118112 (VCV002118112.4), dbSNP rs2086413461, ClinGen allele CA382561356.